The following is an entry in ClinVar:

ClinVar aggregate classification (germline): Uncertain significance (1 of 4 stars; one submission).

Submission:

GeneDx
Classification: Uncertain significance. Last evaluated: 2024-05-13. Review status: criteria provided, single submitter. Criteria: GeneDx Variant Classification Process June 2021. Collection method: clinical testing. Allele origin: germline.
Comment: Not observed at significant frequency in large population cohorts (gnomAD); In-frame deletion of 10 amino acids in a non-repeat region; In silico analysis supports a deleterious effect on protein structure/function; Has not been previously published as pathogenic or benign to our knowledge; Variants in candidate genes are classified as variants of uncertain significance in accordance with ACMG guidelines (PMID: 25741868)

NM_002332.3(LRP1):c.5629_5658del (p.Tyr1877_Cys1886del)

Gene: LRP1 (LDL receptor related protein 1; plus strand). Cytogenetic location: 12q13.3.
Variant type: Deletion.
Coding change: c.5629_5658del on transcript NM_002332.3 (MANE Select); coding-DNA positions 5629 to 5658, 30 bases deleted (TATAGCCTCCGGAGTGGCCAGCAGGCCTGC).
Protein change: p.Tyr1877_Cys1886del.
Molecular consequence: inframe deletion.
Genome position (GRCh38, 1-based): chr12:57,181,258-57,181,287, TATAGCCTCCGGAGTGGCCAGCAGGCCTGC deleted; deleting any 30 consecutive bases within chr12:57,181,256-57,181,287 gives the same sequence; the c. name uses the placement nearest the transcript's 3' end. VCF-style (leftmost placement, unchanged base first): chr12-57181255-GGCTATAGCCTCCGGAGTGGCCAGCAGGCCT-G. GRCh37 (hg19) VCF-style: chr12-57575038-GGCTATAGCCTCCGGAGTGGCCAGCAGGCCT-G.
Identifiers: ClinVar variation 4976676 (VCV004976676.1).